The following is an entry in ClinVar:

ClinVar aggregate classification (germline): Benign. Review status: criteria provided, multiple submitters, no conflicts (2 of 4 stars). 4 submissions from 4 submitters: Benign (4). Last evaluated 2026-07-01.

Allele frequency attached by ClinVar (database versions not stated): 1000 Genomes Project 30x 0.00375; 1000 Genomes Project 0.00439; gnomAD exomes 0.00641 and 0.00939; gnomAD 0.00669 and 0.00682; TOPMed 0.00672; ExAC 0.00694; ESP Exome Variant Server 0.00807.

Submissions (4):

CeGaT Center for Human Genetics Tuebingen
Classification: Benign. Last evaluated: 2026-07-01. Review status: criteria provided, single submitter. Criteria: CeGaT Center For Human Genetics Tuebingen Variant Classification Criteria Version 2. Collection method: clinical testing. Allele origin: germline. Affected: yes. Observed: 3 variant alleles.
Comment: CCDC8: BP4, BP7, BS1, BS2

Women's Health and Genetics/Laboratory Corporation of America, LabCorp
Classification: Benign. Last evaluated: 2026-05-11. Review status: criteria provided, single submitter. Criteria: LabCorp Variant Classification Summary - May 2015. Collection method: clinical testing. Allele origin: germline.

Labcorp Genetics (formerly Invitae), Labcorp
Classification: Benign. Last evaluated: 2026-02-02. Review status: criteria provided, single submitter. Criteria: Invitae Variant Classification Sherloc (09022015). Collection method: clinical testing. Allele origin: germline.

Breakthrough Genomics
Classification: Benign. Review status: criteria provided, single submitter. Criteria: ACMG Guidelines, 2015. Collection method: not provided. Allele origin: germline. Inheritance: Autosomal recessive inheritance. Affected: yes.

NM_032040.5(CCDC8):c.60T>C (p.Ala20=)

Gene: CCDC8 (coiled-coil domain containing 8 subunit of 3M complex; minus strand). Cytogenetic location: 19q13.32.
Variant type: single nucleotide variant.
Coding change: c.60T>C on transcript NM_032040.5 (MANE Select); coding-DNA position 60, T replaced by C.
Protein change: p.Ala20=; no amino-acid change (alanine 20 retained).
Molecular consequence: synonymous variant.
Genome position (GRCh38, 1-based): chr19:46,412,751, A>G on the plus strand (T>C on the coding strand, the complement: CCDC8 is on the minus strand). VCF-style: chr19-46412751-A-G. GRCh37 (hg19) VCF-style: chr19-46916008-A-G.
Identifiers: ClinVar variation 781882 (VCV000781882.37), dbSNP rs149839442, ClinGen allele CA9528789.
Genomic context (GRCh38, chr19:46,412,751, plus strand): 5'-CCGCTCCCGAAATTCTGCTTCCTTGGTGGCGGGCTTAGAGATGACTCTCCAGACGCCCCC[A>G]GCCAGCCTGACCTCCCGGGGGATGAGCAAATAGTCGACGTCCTCCCCGATCTGCAGCATC-3'
Protein context (NP_114429.2, residues 10-30): YLLIPREVRL[Ala20=]GGVWRVISKP